The following is an entry in ClinVar:

NM_207122.2(EXT2):c.245dup (p.Asp82fs)

Gene: EXT2 (exostosin glycosyltransferase 2; plus strand). Cytogenetic location: 11p11.2.
Variant type: Duplication.
Coding change: c.245dup on transcript NM_207122.2 (MANE Select); coding-DNA position 245, one base duplicated (A; older notation c.245dupA).
Protein change: p.Asp82fs; shifts the reading frame from aspartic acid 82.
Molecular consequence: frameshift variant.
Genome position (GRCh38, 1-based): chr11:44,107,957, A duplicated. VCF-style (leftmost placement, unchanged base first): chr11-44107956-G-GA. GRCh37 (hg19) VCF-style: chr11-44129506-G-GA.
Other names: c.245dupA (NM_207122.1); c.344dup, p.Asp115fs (NM_000401.3); c.245dup, p.Asp82fs (NM_001178083.3, NM_001389628.1, NM_001389630.1); short protein forms D115fs, D82fs.
Identifiers: ClinVar variation 449018 (VCV000449018.13), dbSNP rs1555002460, ClinGen allele CA658658049.
Genomic context (GRCh38, chr11:44,107,956, plus strand): 5'-AGCATCCGTGATGTGCCGGTTGTTAGGCTGCCAGCCGACAGTCCCATCCCAGAGCGGGGG[G>GA]ATCTCAGTTGCAGAATGCACACGTGTTTTGATGTCTATCGCTGTGGCTTCAACCCAAAGA-3'

ClinVar aggregate classification (germline): Pathogenic/Likely pathogenic. Review status: criteria provided, multiple submitters, no conflicts (2 of 4 stars). 5 submissions from 5 submitters: Pathogenic (4); Likely pathogenic (1). Last evaluated 2021-08-31.

Conditions:
EXT2-related disorders.
Exostoses, multiple, type 2 (EXT2). Also called: EXOSTOSES, MULTIPLE, TYPE II; Hereditary Multiple Osteochondromatosis, Type II. Identifiers: Orphanet 321, MedGen C1851413, MONDO:0007586, OMIM 133701.

Submissions (5):

Blueprint Genetics
Classification: Pathogenic for EXT2-related disorders. Last evaluated: 2021-08-31. Review status: criteria provided, single submitter. Criteria: ACMG Guidelines, 2015. Collection method: clinical testing. Allele origin: germline. Affected: yes. Observed: 3 variant alleles.

Labcorp Genetics (formerly Invitae), Labcorp
Classification: Pathogenic for Exostoses, multiple, type 2. Last evaluated: 2018-12-20. Review status: criteria provided, single submitter. Criteria: Invitae Variant Classification Sherloc (09022015). Collection method: clinical testing. Allele origin: germline.
Comment: This variant has not been reported in the literature in individuals with EXT2-related conditions. ClinVar contains an entry for this variant (Variation ID: 449018). This variant is not present in population databases (ExAC no frequency). This sequence change creates a premature translational stop signal (p.Asp82Glufs*11) in the EXT2 gene. It is expected to result in an absent or disrupted protein product. Loss-of-function variants in EXT2 are known to be pathogenic (PMID: 10679937, 19810120). For these reasons, this variant has been classified as Pathogenic.

GeneDx
Classification: Pathogenic. Last evaluated: 2017-08-23. Review status: criteria provided, single submitter. Criteria: GeneDx Variant Classification (06012015). Collection method: clinical testing. Allele origin: germline. Affected: yes.
Comment: The c.245dupA variant in the EXT2 gene has not been published as a pathogenic variant, nor has it been reported as a benign variant to our knowledge. This duplication causes a frameshift starting with codon Aspartic Acid 82, changes this amino acid to a Glutamic Acid residue and creates a premature Stop codon at position 11 of the new reading frame, denoted p.Asp82GlufsX11. This variant is predicted to cause loss of normal protein function either through protein truncation or nonsense-mediated mRNA decay. Based on currently available evidence, we consider c.245dupA to be pathogenic.

Clinical Biomedical Laboratory, Shriners Hospital For Children - Canada
Classification: Pathogenic for Exostoses, multiple, type 2. Review status: criteria provided, single submitter. Criteria: ACMG Guidelines, 2015. Collection method: clinical testing. Allele origin: germline. Affected: yes.
Comment: This variant is predicted to lead to a frameshift and nonsense-mediated decay of mRNA in EXT2. Loss of function variants in this gene are associated with multiple exostoses type 2 (OMIM 133701), which corresponds to the clinical diagnosis of the proband. This variant is not present in the Genome Aggregation Database (v2.1.1), which indicates that the variant is rare. Based on the ACMG variant interpretation guidelines (criteria: PVS1, PM2, PP4), the available evidence supports classification of this variant as pathogenic.

Juno Genomics, Hangzhou Juno Genomics, Inc
Classification: Likely pathogenic for Exostoses, multiple, type 2. Review status: criteria provided, single submitter. Criteria: ACMG Guidelines, 2015. Collection method: clinical testing. Allele origin: germline.
Comment: Absent from controls (or at extremely low frequency if recessive) in Genome Aggregation Database.;Null variant in a gene where loss of function (LOF) is a known mechanism of disease.

Literature cited by the submitters: PubMed 10679937 (cited by Labcorp Genetics (formerly Invitae), Labcorp); PubMed 19810120 (cited by Labcorp Genetics (formerly Invitae), Labcorp).